The following is an entry in ClinVar:

NM_024649.5(BBS1):c.47+9A>G

Gene: BBS1 (Bardet-Biedl syndrome 1; plus strand). Cytogenetic location: 11q13.2.
Variant type: single nucleotide variant.
Coding change: c.47+9A>G on transcript NM_024649.5 (MANE Select); 9 bases into the intron after coding-DNA position 47, A replaced by G.
Molecular consequence: intron variant.
Genome position (GRCh38, 1-based): chr11:66,510,715, A>G. VCF-style: chr11-66510715-A-G. GRCh37 (hg19) VCF-style: chr11-66278186-A-G.
Other names: c.47+9A>G (NM_024649.4).
Identifiers: ClinVar variation 1967194 (VCV001967194.6), dbSNP rs755329603, ClinGen allele CA6123197.

ClinVar aggregate classification (germline): Likely benign. Review status: criteria provided, single submitter (1 of 4 stars). 2 submissions from 2 submitters: Likely benign (1). 1 of the submissions does not count toward it. Last evaluated 2025-12-15.

Conditions:
Bardet-Biedl syndrome (BBS). Identifiers: Orphanet 110, MedGen C0752166, MONDO:0015229.
BBS1-related disorder. Also called: BBS1-related condition.

Allele frequency attached by ClinVar (database versions not stated): ExAC 0.00001; gnomAD 0.00001.
gnomAD v4.1: 3 of 1,614,006 alleles (0.00019%); highest among the groups gnomAD compares: Non-Finnish European, 0.00025%; no homozygotes.

Submissions (2):

Labcorp Genetics (formerly Invitae), Labcorp
Classification: Likely benign for Bardet-Biedl syndrome. Last evaluated: 2025-12-15. Review status: criteria provided, single submitter. Criteria: Invitae Variant Classification Sherloc (09022015). Collection method: clinical testing. Allele origin: germline.

PreventionGenetics, part of Exact Sciences
Classification: Likely benign for BBS1-related condition. Last evaluated: 2022-08-23. Review status: no assertion criteria provided. Collection method: clinical testing. Allele origin: germline. Not counted in ClinVar's aggregate classification.
Comment: This variant is classified as likely benign based on ACMG/AMP sequence variant interpretation guidelines (Richards et al. 2015 PMID: 25741868, with internal and published modifications).